The following is an entry in ClinVar:

ClinVar aggregate classification (germline): Uncertain significance. Review status: criteria provided, multiple submitters, no conflicts (2 of 4 stars). 4 submissions from 4 submitters: Uncertain significance (4). Last evaluated 2026-06-11.

Conditions:
DMXL2-related disorder. Also called: DMXL2-related condition.
Inborn genetic diseases. Identifiers: MedGen C0950123, MeSH D030342.

Allele frequency attached by ClinVar (database versions not stated): gnomAD 0.00001; gnomAD exomes 0.00001; TOPMed 0.00001; ExAC 0.00003.
gnomAD v4.1: 20 of 1,613,770 alleles (0.0012%); highest among the groups gnomAD compares: Middle Eastern, 0.016%; no homozygotes.

Submissions (4):

PreventionGenetics, part of Exact Sciences
Classification: Uncertain significance for DMXL2-related condition. Last evaluated: 2026-06-11. Review status: criteria provided, single submitter. Criteria: ACMG Guidelines, 2015. Collection method: clinical testing. Allele origin: germline.
Comment: The DMXL2 c.1280A>G variant is predicted to result in the amino acid substitution p.Asp427Gly. To our knowledge, this variant has not been reported in the literature. This variant is reported in 0.0053% of alleles in individuals of European (Non-Finnish) descent in gnomAD. At this time, the clinical significance of this variant is uncertain due to the absence of conclusive functional and genetic evidence.

CeGaT Center for Human Genetics Tuebingen
Classification: Uncertain significance. Last evaluated: 2026-06-01. Review status: criteria provided, single submitter. Criteria: CeGaT Center For Human Genetics Tuebingen Variant Classification Criteria Version 2. Collection method: clinical testing. Allele origin: germline. Affected: yes. Observed: 1 variant allele.
Comment: DMXL2: PM2, BP4

Ambry Genetics
Classification: Uncertain significance for Inborn genetic diseases. Last evaluated: 2023-02-23. Review status: criteria provided, single submitter. Criteria: Ambry Variant Classification Scheme 2023. Collection method: clinical testing. Allele origin: germline.

Labcorp Genetics (formerly Invitae), Labcorp
Classification: Uncertain significance. Last evaluated: 2022-04-09. Review status: criteria provided, single submitter. Criteria: Invitae Variant Classification Sherloc (09022015). Collection method: clinical testing. Allele origin: germline.
Comment: This sequence change replaces aspartic acid, which is acidic and polar, with glycine, which is neutral and non-polar, at codon 427 of the DMXL2 protein (p.Asp427Gly). In summary, the available evidence is currently insufficient to determine the role of this variant in disease. Therefore, it has been classified as a Variant of Uncertain Significance. Algorithms developed to predict the effect of missense changes on protein structure and function (SIFT, PolyPhen-2, Align-GVGD) all suggest that this variant is likely to be tolerated. This variant has not been reported in the literature in individuals affected with DMXL2-related conditions. This variant is present in population databases (rs751020293, gnomAD 0.005%).

NM_001378457.1(DMXL2):c.1280A>G (p.Asp427Gly)

Gene: DMXL2 (Dmx like 2; minus strand). Cytogenetic location: 15q21.2.
Variant type: single nucleotide variant.
Coding change: c.1280A>G on transcript NM_001378457.1 (MANE Select); coding-DNA position 1280, A replaced by G.
Protein change: p.Asp427Gly; replaces aspartic acid 427 with glycine.
Molecular consequence: missense variant. On other transcripts: non-coding transcript variant (2), intron variant (1).
Genome position (GRCh38, 1-based): chr15:51,538,278, T>C on the plus strand (A>G on the coding strand, the complement: DMXL2 is on the minus strand). VCF-style: chr15-51538278-T-C. GRCh37 (hg19) VCF-style: chr15-51830475-T-C.
Other names: c.1280A>G (NM_001174116.1); c.1280A>G, p.Asp427Gly (NM_001174116.3, NM_001174117.3, NM_001378458.1 and 6 more transcripts); c.1106-519A>G (NM_001378464.1); short protein forms D427G.
Identifiers: ClinVar variation 1984168 (VCV001984168.7), dbSNP rs751020293, ClinGen allele CA7562629.
Genomic context (GRCh38, chr15:51,538,278, plus strand): 5'-TCTAATTTCATATGTAAACCCCGTTCTCTATCCTCCTGTGAATGTTCCTCATCTTCTCTA[T>C]CTGCATCATCATTTTCATGATCTACCTGCTTATCAGAAAGTTTTCGTAATTGATGCATAA-3'
Protein context (NP_001365386.1, residues 417-437): KQVDHENDDA[Asp427Gly]REDEEHSQED